The following is an entry in ClinVar:

ClinVar aggregate classification (germline): Conflicting classifications of pathogenicity. Review status: criteria provided, conflicting classifications (1 of 4 stars). 4 submissions from 4 submitters: Uncertain significance (1); Benign (1); Likely benign (2). Last evaluated 2026-01-05.

Conditions:
Thyroid dyshormonogenesis 6 (TDH6). Also called: HYPOTHYROIDISM, CONGENITAL, DUE TO DYSHORMONOGENESIS, 6; THYROID HORMONOGENESIS, GENETIC DEFECT IN, 6; Genetic transient congenital hypothyroidism. Identifiers: Orphanet 226316, Orphanet 95716, MedGen C1846632, MONDO:0011792, OMIM 607200.

Allele frequency attached by ClinVar (database versions not stated): gnomAD 0.00178 and 0.00185; TOPMed 0.00197; 1000 Genomes Project 0.00300; 1000 Genomes Project 30x 0.00312; gnomAD exomes 0.00019 and 0.00056; ExAC 0.00080; ESP Exome Variant Server 0.00177.
gnomAD v4.1: 554 of 1,614,062 alleles (0.034%); highest among the groups gnomAD compares: African/African-American, 0.62%; 2 homozygotes.

Submissions (4):

Labcorp Genetics (formerly Invitae), Labcorp
Classification: Benign. Last evaluated: 2026-01-05. Review status: criteria provided, single submitter. Criteria: Invitae Variant Classification Sherloc (09022015). Collection method: clinical testing. Allele origin: germline.

CeGaT Center for Human Genetics Tuebingen
Classification: Likely benign. Last evaluated: 2025-07-01. Review status: criteria provided, single submitter. Criteria: CeGaT Center For Human Genetics Tuebingen Variant Classification Criteria Version 2. Collection method: clinical testing. Allele origin: germline. Affected: yes. Observed: 1 variant allele.
Comment: DUOX2: BP4, BP7

Blueprint Genetics
Classification: Likely benign. Last evaluated: 2024-11-19. Review status: criteria provided, single submitter. Criteria: ACMG Guidelines, 2015. Collection method: clinical testing. Allele origin: germline.

Illumina Laboratory Services, Illumina
Classification: Uncertain significance for Thyroid dyshormonogenesis 6. Last evaluated: 2018-01-12. Review status: criteria provided, single submitter. Criteria: ICSL Variant Classification Criteria 13 December 2019. Collection method: clinical testing. Allele origin: germline.

NM_001363711.2(DUOX2):c.1197G>A (p.Ser399=)

Gene: DUOX2 (dual oxidase 2; minus strand). Cytogenetic location: 15q21.1.
Variant type: single nucleotide variant.
Coding change: c.1197G>A on transcript NM_001363711.2 (MANE Select); coding-DNA position 1197, G replaced by A.
Protein change: p.Ser399=; no amino-acid change (serine 399 retained).
Molecular consequence: synonymous variant.
Genome position (GRCh38, 1-based): chr15:45,109,561, C>T on the plus strand (G>A on the coding strand, the complement: DUOX2 is on the minus strand). VCF-style: chr15-45109561-C-T. GRCh37 (hg19) VCF-style: chr15-45401759-C-T.
Other names: c.1197G>A, p.Ser399= (NM_014080.5).
Identifiers: ClinVar variation 746459 (VCV000746459.23), dbSNP rs146745678, ClinGen allele CA7538701.